The following is an entry in ClinVar:

ClinVar aggregate classification (germline): Conflicting classifications of pathogenicity. Review status: criteria provided, conflicting classifications (1 of 4 stars). 3 submissions from 3 submitters: Uncertain significance (1); Likely benign (2). Last evaluated 2025-07-30.

Conditions:
Deafness-lymphedema-leukemia syndrome. Also called: Emberger syndrome; Lymphedema, primary, with myelodysplasia. Identifiers: Orphanet 3226, MedGen C3279664, MONDO:0013540, OMIM 614038.
GATA2 deficiency with susceptibility to MDS/AML. Identifiers: MedGen CN300066, MONDO:0042982.
Inborn genetic diseases. Identifiers: MedGen C0950123, MeSH D030342.
Monocytopenia with susceptibility to infections. Also called: GATA2 DEFICIENCY; IMMUNODEFICIENCY 21; MONOCYTOPENIA AND MYCOBACTERIAL INFECTION SYNDROME; MONOCYTOPENIA WITH SUSCEPTIBILITY TO MYCOBACTERIAL, FUNGAL, AND PAPILLOMAVIRUS INFECTIONS AND MYELODYSPLASIA; COMBINED IMMUNODEFICIENCY WITH SUSCEPTIBILITY TO MYCOBACTERIAL, VIRAL, AND FUNGAL INFECTIONS; Dendritic cell, monocyte, B lymphocyte, and natural killer lymphocyte deficiency. Identifiers: Orphanet 228423, MedGen C3280030, MONDO:0013607, OMIM 614172.

Allele frequency attached by ClinVar (database versions not stated): gnomAD exomes below 0.00001.
gnomAD v4.1: 5 of 1,614,166 alleles (0.00031%); highest among the groups gnomAD compares: Non-Finnish European, 0.00034%; no homozygotes.

Submissions (3):

Labcorp Genetics (formerly Invitae), Labcorp
Classification: Likely benign for Monocytopenia with susceptibility to infections; Deafness-lymphedema-leukemia syndrome. Last evaluated: 2025-07-30. Review status: criteria provided, single submitter. Criteria: Invitae Variant Classification Sherloc (09022015). Collection method: clinical testing. Allele origin: germline.

Ambry Genetics
Classification: Likely benign for Inborn genetic diseases. Last evaluated: 2024-11-23. Review status: criteria provided, single submitter. Criteria: Ambry Variant Classification Scheme 2023. Collection method: clinical testing. Allele origin: germline.

Molecular Pathology Research Laboratory, SA Pathology
Classification: Uncertain significance for GATA2 deficiency with susceptibility to MDS/AML; Deafness-lymphedema-leukemia syndrome. Last evaluated: 2021-07-06. Review status: criteria provided, single submitter. Criteria: ACMG Guidelines, 2015. Collection method: curation. Allele origin: unknown. Inheritance: Autosomal dominant inheritance. Affected: yes. Observed: 1 variant allele.
Comment: PS4_Supporting, PM2, BP4, BP7

Literature cited by the submitters: PubMed 32555368 (cited by Molecular Pathology Research Laboratory, SA Pathology).

NM_032638.5(GATA2):c.981G>A (p.Gly327=)

Gene: GATA2 (GATA binding protein 2; minus strand). Cytogenetic location: 3q21.3.
Variant type: single nucleotide variant.
Coding change: c.981G>A on transcript NM_032638.5 (MANE Select); coding-DNA position 981, G replaced by A.
Protein change: p.Gly327=; no amino-acid change (glycine 327 retained).
Molecular consequence: synonymous variant.
Genome position (GRCh38, 1-based): chr3:128,483,896, C>T on the plus strand (G>A on the coding strand, the complement: GATA2 is on the minus strand). VCF-style: chr3-128483896-C-T. GRCh37 (hg19) VCF-style: chr3-128202739-C-T.
Other names: c.981G>A (NM_032638.4); c.981G>A, p.Gly327= (NM_001145661.2, NM_001145662.1).
Identifiers: ClinVar variation 1079248 (VCV001079248.11), dbSNP rs2068661291, ClinGen allele CA435509982.